The following is an entry in ClinVar:

ClinVar aggregate classification (germline): Likely benign (1 of 4 stars; one submission).

Conditions:
MTMR2-related disorder. Also called: MTMR2-related condition.

Submission:

PreventionGenetics, part of Exact Sciences
Classification: Likely benign for MTMR2-related condition. Last evaluated: 2025-08-06. Review status: criteria provided, single submitter. Criteria: ACMG Guidelines, 2015. Collection method: clinical testing. Allele origin: germline.
Comment: This variant is classified as likely benign based on ACMG/AMP sequence variant interpretation guidelines (Richards et al. 2015 PMID: 25741868, with internal and published modifications).

NM_016156.6(MTMR2):c.1180-7T>G

Gene: MTMR2 (myotubularin related protein 2; minus strand). Cytogenetic location: 11q21.
Variant type: single nucleotide variant.
Coding change: c.1180-7T>G on transcript NM_016156.6 (MANE Select); 7 bases into the intron before coding-DNA position 1180, T replaced by G.
Molecular consequence: intron variant.
Genome position (GRCh38, 1-based): chr11:95,845,166, A>C on the plus strand (T>G on the coding strand, the complement: MTMR2 is on the minus strand). VCF-style: chr11-95845166-A-C. GRCh37 (hg19) VCF-style: chr11-95578330-A-C.
Other names: c.964-7T>G (NM_001440635.1, NM_001440636.1, NM_201281.3 and 11 more transcripts); c.994-7T>G (NM_001440649.1, NM_001440650.1); c.1096-7T>G (NM_001440647.1); c.991-7T>G (NM_001440651.1); c.1180-7T>G (NM_001440648.1); c.832-7T>G (NM_001440642.1); c.778-7T>G (NM_001440643.1).
Identifiers: ClinVar variation 4980386 (VCV004980386.1).